The following is an entry in ClinVar:

NM_000091.5(COL4A3):c.71C>G (p.Ala24Gly)

Genes: COL4A3 (collagen type IV alpha 3 chain; plus strand), LOC129935730 (ATAC-STARR-seq lymphoblastoid silent region 12397; plus strand). Cytogenetic location: 2q36.3.
Variant type: single nucleotide variant.
Coding change: c.71C>G on transcript NM_000091.5 (MANE Select); coding-DNA position 71, C replaced by G.
Protein change: p.Ala24Gly; replaces alanine 24 with glycine.
Molecular consequence: missense variant.
Genome position (GRCh38, 1-based): chr2:227,164,797, C>G. VCF-style: chr2-227164797-C-G. GRCh37 (hg19) VCF-style: chr2-228029513-C-G.
Other names: short protein forms A24G.
Identifiers: ClinVar variation 499491 (VCV000499491.31), dbSNP rs184704920, ClinGen allele CA2145894.

ClinVar aggregate classification (germline): Benign/Likely benign. Review status: criteria provided, multiple submitters, no conflicts (2 of 4 stars). 11 submissions from 11 submitters: Benign (8); Likely benign (2). 1 of the submissions does not count toward it. Last evaluated 2026-02-02.

Conditions:
Alport syndrome. Also called: Hemorrhagic familial nephritis; Hemorrhagic hereditary nephritis; Congenital hereditary hematuria. Identifiers: Orphanet 63, MedGen C1567741, MONDO:0018965.
Kidney disorder. Also called: renal disease; Nephropathy; Kidney disease; Kidney Diseases; renal disorder. Identifiers: MedGen C0022658, MONDO:0005240, HP:0000112.

Allele frequency attached by ClinVar (database versions not stated): ExAC 0.00022; gnomAD exomes 0.00082; gnomAD 0.00590 and 0.00624; 1000 Genomes Project 0.00659; TOPMed 0.00674; 1000 Genomes Project 30x 0.00750.
gnomAD v4.1: 1,979 of 1,518,180 alleles (0.13%); highest among the groups gnomAD compares: African/African-American, 2%; 24 homozygotes.

Submissions (11):

Labcorp Genetics (formerly Invitae), Labcorp
Classification: Benign. Last evaluated: 2026-02-02. Review status: criteria provided, single submitter. Criteria: Invitae Variant Classification Sherloc (09022015). Collection method: clinical testing. Allele origin: germline.

Blueprint Genetics
Classification: Likely benign. Last evaluated: 2024-11-11. Review status: criteria provided, single submitter. Criteria: ACMG Guidelines, 2015. Collection method: clinical testing. Allele origin: germline.

ARUP Laboratories, Molecular Genetics and Genomics, ARUP Laboratories
Classification: Benign. Last evaluated: 2023-03-06. Review status: criteria provided, single submitter. Criteria: ARUP Molecular Germline Variant Investigation Process 2024. Collection method: clinical testing. Allele origin: germline.

GeneDx
Classification: Benign. Last evaluated: 2020-09-21. Review status: criteria provided, single submitter. Criteria: GeneDx Variant Classification Process June 2021. Collection method: clinical testing. Allele origin: germline. Affected: yes.

Genome Diagnostics Laboratory, The Hospital for Sick Children
Classification: Likely benign for Kidney disorder. Last evaluated: 2019-08-01. Review status: criteria provided, single submitter. Criteria: ACMG Guidelines, 2015. Collection method: clinical testing. Allele origin: germline.

Athena Diagnostics
Classification: Benign. Last evaluated: 2019-02-19. Review status: criteria provided, single submitter. Criteria: Athena Diagnostics Criteria. Collection method: clinical testing. Allele origin: germline.

Illumina Laboratory Services, Illumina
Classification: Benign for Alport syndrome. Last evaluated: 2017-09-18. Review status: criteria provided, single submitter. Criteria: ICSL Variant Classification Criteria 13 December 2019. Collection method: clinical testing. Allele origin: germline.
Comment: This variant was observed as part of a predisposition screen in an ostensibly healthy population. A literature search was performed for the gene, cDNA change, and amino acid change (where applicable). No publications were found based on this search. Allele frequency data from public databases was too high to be consistent with this variant causing disease. Therefore, this variant is classified as benign.

Eurofins Ntd Llc (ga)
Classification: Benign. Last evaluated: 2017-01-18. Review status: criteria provided, single submitter. Criteria: EGL Classification Definitions 2015. Collection method: clinical testing. Allele origin: germline. Observed: 1 variant allele, 1 heterozygote.

Laboratory for Molecular Medicine, Mass General Brigham Personalized Medicine
Classification: Benign. Last evaluated: 2016-03-21. Review status: criteria provided, single submitter. Criteria: LMM Criteria. Collection method: clinical testing. Allele origin: germline. Observed: 2 variant alleles.
Comment: p.Ala24Gly in exon 1 of COL4A3: This variant is not expected to have clinical si gnificance because it has been identified in 2.19% (29/1322) of African chromoso mes by the 1000 Genomes Project (Phase 3; dbSNP rs184704920).

Breakthrough Genomics
Classification: Benign. Review status: criteria provided, single submitter. Criteria: ACMG Guidelines, 2015. Collection method: not provided. Allele origin: germline. Inheritance: Autosomal recessive inheritance. Affected: yes.

Natera, Inc.
Classification: Benign for Alport syndrome. Last evaluated: 2020-09-16. Review status: no assertion criteria provided. Collection method: clinical testing. Allele origin: germline. Not counted in ClinVar's aggregate classification.